The following continues an entry in ClinVar:

NM_000051.4(ATM):c.5890A>G (p.Lys1964Glu)

ClinVar aggregate classification (germline): Conflicting classifications of pathogenicity. Uncertain significance (9); Likely benign (10).

Submissions 17 to 21 of 21:

GeneKor MSA
Classification: Uncertain significance for Hereditary cancer-predisposing syndrome. Last evaluated: 2018-08-01. Review status: criteria provided, single submitter. Criteria: ACMG Guidelines, 2015. Collection method: clinical testing. Allele origin: germline. Affected: yes.

Fulgent Genetics
Classification: Uncertain significance for Familial cancer of breast; Ataxia-telangiectasia syndrome. Last evaluated: 2017-05-23. Review status: criteria provided, single submitter. Criteria: ACMG Guidelines, 2015. Collection method: clinical testing. Allele origin: unknown.

Illumina Laboratory Services, Illumina
Classification: Uncertain significance for Ataxia-telangiectasia syndrome. Last evaluated: 2017-04-28. Review status: criteria provided, single submitter. Criteria: ICSL Variant Classification Criteria 13 December 2019. Collection method: clinical testing. Allele origin: germline.
Comment: This variant was observed as part of a predisposition screen in an ostensibly healthy population. A literature search was performed for the gene, cDNA change, and amino acid change (where applicable). Publications were found based on this search. However, the evidence from the literature, in combination with allele frequency data from public databases where available, was not sufficient to rule this variant in or out of causing disease. Therefore, this variant is classified as a variant of unknown significance.

Center of Medical Genetics and Primary Health Care
Classification: Likely benign for Breast Cancer. Review status: no assertion criteria provided. Collection method: clinical testing. Allele origin: germline. Affected: yes. Not counted in ClinVar's aggregate classification.

Department of Pathology and Laboratory Medicine, Sinai Health System
Classification: Uncertain significance for Endometrial carcinoma. Review status: no assertion criteria provided. Collection method: clinical testing. Allele origin: unknown. Affected: yes. Observed: 1 variant allele. Study: The Canadian Open Genetics Repository (COGR). Not counted in ClinVar's aggregate classification.
Comment: The ATM p.Lys1964Glu variant was identified in 4 of 13262 proband chromosomes (frequency: 0.0003) from individuals or families with breast cancer or Lynch syndrome and was not identified in 7630 control chromosomes from healthy individuals (Goldgar 2011, Tavtigian 2009, Thorstenson 2003, Yurgelun 2015). The variant was also identified in dbSNP (ID: rs201963507 as "With Pathogenic, Uncertain significance allele"), ClinVar (1x as likely benign by Invitae and 5x as uncertain significance by Ambry Genetics, GeneDx, Color Genomics, Fulgent Genetics, and Integrated Genetics/Laboratory Corporation of America), and Cosmic (3x in Haematopoietic and lymphoid tissue). The variant was not identified in the COGR, MutDB, or LOVD 3.0 database. The variant was identified in control databases in 25 of 276812 chromosomes (1 homozygous) at a frequency of 0.00009 (Genome Aggregation Database Feb 27, 2017). The variant was observed in the following populations: African in 1 of 24022 chromosomes (freq: 0.00004), Other in 2 of 6456 chromosomes (freq: 0.0003), Latino in 7 of 34384 chromosomes (1 homozygous, freq: 0.0002), European in 12 of 126464 chromosomes (freq: 0.0001), and South Asian in 3 of 30772 chromosomes (freq: 0.0001); it was not observed in the Ashkenazi Jewish, East Asian, or Finnish populations. The p.Lys1964 residue is not conserved in mammals and 4 of 5 computational analyses (PolyPhen-2, SIFT, AlignGVGD, BLOSUM, MutationTaster) do not suggest a high likelihood of impact to the protein; however, this information is not predictive enough to rule out pathogenicity. The variant occurs outside of the splicing consensus sequence and 5 of 5 in silico or computational prediction software programs (SpliceSiteFinder, MaxEntScan, NNSPLICE, GeneSplicer, HumanSpliceFinder) do not predict a difference in splicing. In summary, based on the above information the clinical significance of this variant cannot be determined with certainty at this time. This variant is classified as a variant of uncertain significance.

Literature cited by the submitters: PubMed 23555315 (cited by Women's Health and Genetics/Laboratory Corporation of America, LabCorp); PubMed 12810666 (cited by Women's Health and Genetics/Laboratory Corporation of America, LabCorp and Ambry Genetics); PubMed 25980754 (cited by Women's Health and Genetics/Laboratory Corporation of America, LabCorp); PubMed 21787400 (cited by Women's Health and Genetics/Laboratory Corporation of America, LabCorp and Ambry Genetics); PubMed 19781682 (cited by 3 submitters); PubMed 26787654 (cited by Women's Health and Genetics/Laboratory Corporation of America, LabCorp); PubMed 26837699 (cited by Women's Health and Genetics/Laboratory Corporation of America, LabCorp); PubMed 29659569 (cited by Women's Health and Genetics/Laboratory Corporation of America, LabCorp); PubMed 30651582 (cited by Women's Health and Genetics/Laboratory Corporation of America, LabCorp and Ambry Genetics); PubMed 31159747 (cited by Women's Health and Genetics/Laboratory Corporation of America, LabCorp and Ambry Genetics); PubMed 31920950 (cited by Women's Health and Genetics/Laboratory Corporation of America, LabCorp); PubMed 33558524 (cited by Women's Health and Genetics/Laboratory Corporation of America, LabCorp); PubMed 33436325 (cited by Women's Health and Genetics/Laboratory Corporation of America, LabCorp); PubMed 35264596 (cited by Women's Health and Genetics/Laboratory Corporation of America, LabCorp); PubMed 39148954 (cited by Women's Health and Genetics/Laboratory Corporation of America, LabCorp); PubMed 25085752 (cited by Myriad Genetics, Inc.).